The following is an entry in ClinVar:

ClinVar aggregate classification (germline): Pathogenic. Review status: criteria provided, multiple submitters, no conflicts (2 of 4 stars). 2 submissions from 2 submitters: Pathogenic (2). Last evaluated 2024-12-10.

Conditions:
Cowden syndrome 3 (CWS3). Identifiers: Orphanet 201, MedGen CN166604, MONDO:0014045.
Carney-Stratakis syndrome. Also called: PARAGANGLIOMA AND GASTROINTESTINAL STROMAL TUMOR. Identifiers: Orphanet 97286, MedGen C1847319, MONDO:0011740, OMIM 606864.
Pheochromocytoma. Also called: MAX-Related Hereditary Paraganglioma-Pheochromocytoma Syndrome. Identifiers: Orphanet 29072, MedGen C0031511, MONDO:0008233, OMIM 171300, HP:0002666.
Paragangliomas with sensorineural hearing loss. Identifiers: MedGen C1868633.
Hereditary cancer-predisposing syndrome. Also called: Tumor predisposition; Hereditary neoplastic syndrome; Neoplastic Syndromes, Hereditary; Hereditary Cancer Syndrome. Identifiers: Orphanet 140162, MedGen C0027672, MeSH D009386, MONDO:0015356.

Submissions (2):

Labcorp Genetics (formerly Invitae), Labcorp
Classification: Pathogenic for Carney-Stratakis syndrome; Paragangliomas with sensorineural hearing loss; Pheochromocytoma; Cowden syndrome 3. Last evaluated: 2024-12-10. Review status: criteria provided, single submitter. Criteria: Invitae Variant Classification Sherloc (09022015). Collection method: clinical testing. Allele origin: germline.
Comment: This sequence change creates a premature translational stop signal (p.Val46Profs*14) in the SDHD gene. It is expected to result in an absent or disrupted protein product. Loss-of-function variants in SDHD are known to be pathogenic (PMID: 19454582, 19802898). This variant is not present in population databases (gnomAD no frequency). This variant has not been reported in the literature in individuals affected with SDHD-related conditions. ClinVar contains an entry for this variant (Variation ID: 818930). For these reasons, this variant has been classified as Pathogenic.

Ambry Genetics
Classification: Pathogenic for Hereditary cancer-predisposing syndrome. Last evaluated: 2019-10-10. Review status: criteria provided, single submitter. Criteria: Ambry Variant Classification Scheme 2023. Collection method: clinical testing. Allele origin: germline.
Comment: The c.135_160del26 pathogenic mutation, located in coding exon 2 of the SDHD gene, results from a deletion of 26 nucleotides at nucleotide positions 135 to 160, causing a translational frameshift with a predicted alternate stop codon (p.V46Pfs*14). This alteration is expected to result in loss of function by premature protein truncation or nonsense-mediated mRNA decay. As such, this alteration is interpreted as a disease-causing mutation.

Literature cited by the submitters: PubMed 19454582 (cited by Labcorp Genetics (formerly Invitae), Labcorp); PubMed 19802898 (cited by Labcorp Genetics (formerly Invitae), Labcorp).

NM_003002.4(SDHD):c.135_160del (p.Val46fs)

Gene: SDHD (succinate dehydrogenase complex subunit D; plus strand). Cytogenetic location: 11q23.1.
Variant type: Deletion.
Coding change: c.135_160del on transcript NM_003002.4 (MANE Select); coding-DNA positions 135 to 160, 26 bases deleted (AGTGCAGCACATACACTTGTCACCGA).
Protein change: p.Val46fs; shifts the reading frame from valine 46.
Molecular consequence: frameshift variant. On other transcripts: non-coding transcript variant (1), intron variant (1).
Genome position (GRCh38, 1-based): chr11:112,087,939-112,087,964, AGTGCAGCACATACACTTGTCACCGA deleted. VCF-style (leftmost placement, unchanged base first): chr11-112087938-GAGTGCAGCACATACACTTGTCACCGA-G. GRCh37 (hg19) VCF-style: chr11-111958662-GAGTGCAGCACATACACTTGTCACCGA-G.
Other names: c.135_160del, p.Val46fs (NM_001276503.2, NM_001276506.2); c.53-928_53-903del (NM_001276504.2); short protein forms V46fs.
Identifiers: ClinVar variation 818930 (VCV000818930.6), dbSNP rs1592778958, ClinGen allele CA915947744.